The following is an entry in ClinVar:

NM_025179.4(PLXNA2):c.2299-8C>G

Gene: PLXNA2 (plexin A2; minus strand). Cytogenetic location: 1q32.2.
Variant type: single nucleotide variant.
Coding change: c.2299-8C>G on transcript NM_025179.4 (MANE Select); 8 bases into the intron before coding-DNA position 2299, C replaced by G.
Molecular consequence: intron variant.
Genome position (GRCh38, 1-based): chr1:208,082,516, G>C on the plus strand (C>G on the coding strand, the complement: PLXNA2 is on the minus strand). VCF-style: chr1-208082516-G-C. GRCh37 (hg19) VCF-style: chr1-208255861-G-C.
Identifiers: ClinVar variation 3356199 (VCV003356199.1).

ClinVar aggregate classification (germline): Likely benign (0 of 4 stars; one submission).

Conditions:
PLXNA2-related disorder. Also called: PLXNA2-related condition.

Submission:

PreventionGenetics, part of Exact Sciences
Classification: Likely benign for PLXNA2-related condition. Last evaluated: 2023-01-09. Review status: no assertion criteria provided. Collection method: clinical testing. Allele origin: germline.
Comment: This variant is classified as likely benign based on ACMG/AMP sequence variant interpretation guidelines (Richards et al. 2015 PMID: 25741868, with internal and published modifications).